The following is an entry in ClinVar:

ClinVar aggregate classification (germline): Benign (1 of 4 stars; one submission).

Conditions:
Amyotrophic lateral sclerosis type 9 (ALS9). Identifiers: Orphanet 803, MedGen C2678468, MONDO:0012753, OMIM 611895.

Allele frequency attached by ClinVar (database versions not stated): gnomAD 0.00078; 1000 Genomes Project 0.00240; TOPMed 0.00063; 1000 Genomes Project 30x 0.00203.
gnomAD v4.1: 116 of 152,348 alleles (0.076%); highest among the groups gnomAD compares: African/African-American, 0.27%; 1 homozygote.

Submission:

Illumina Laboratory Services, Illumina
Classification: Benign for Amyotrophic lateral sclerosis type 9. Last evaluated: 2018-01-12. Review status: criteria provided, single submitter. Criteria: ICSL Variant Classification Criteria 13 December 2019. Collection method: clinical testing. Allele origin: germline.
Comment: This variant was observed in the ICSL laboratory as part of a predisposition screen in an ostensibly healthy population. It had not been previously curated by ICSL or reported in the Human Gene Mutation Database (HGMD: prior to June 1st, 2018), and was therefore a candidate for classification through an automated scoring system. Utilizing variant allele frequency, disease prevalence and penetrance estimates, and inheritance mode, an automated score was calculated to assess if this variant is too frequent to cause the disease. Based on the score and internal cut-off values, a variant classified as benign is not then subjected to further curation. The score for this variant resulted in a classification of benign for this disease.

NM_001145.4(ANG):c.-423C>T

Gene: ANG (angiogenin; plus strand). Cytogenetic location: 14q11.2.
Variant type: single nucleotide variant.
Coding change: c.-423C>T on transcript NM_001145.4; 423 bases upstream of the start codon, C replaced by T.
Molecular consequence: 5 prime UTR variant.
Genome position (GRCh38, 1-based): chr14:20,684,354, C>T. VCF-style: chr14-20684354-C-T. GRCh37 (hg19) VCF-style: chr14-21152513-C-T.
Identifiers: ClinVar variation 312764 (VCV000312764.7), dbSNP rs149147430, ClinGen allele CA10639909.